The following is an entry in ClinVar:

NM_015693.4(INTU):c.1057A>G (p.Met353Val)

Gene: INTU (inturned planar cell polarity protein; plus strand). Cytogenetic location: 4q28.1.
Variant type: single nucleotide variant.
Coding change: c.1057A>G on transcript NM_015693.4 (MANE Select); coding-DNA position 1057, A replaced by G.
Protein change: p.Met353Val; replaces methionine 353 with valine.
Molecular consequence: missense variant.
Genome position (GRCh38, 1-based): chr4:127,669,120, A>G. VCF-style: chr4-127669120-A-G. GRCh37 (hg19) VCF-style: chr4-128590275-A-G.
Other names: short protein forms M353V.
Identifiers: ClinVar variation 4692649 (VCV004692649.1).
Genomic context (GRCh38, chr4:127,669,120, plus strand): 5'-ATGTCTGAAGCATCTCAGAAACTTAAAAGTGTGAGAGGGATTTTTCTCACACTCTGTGAC[A>G]TGCTGGAAAACGTAACTGGGACACAAGTTACTAGGTAATAATTTTTATTTAGCTTTAATT-3'
Protein context (NP_056508.2, residues 343-363): VRGIFLTLCD[Met353Val]LENVTGTQVT

ClinVar aggregate classification (germline): Uncertain significance (1 of 4 stars; one submission).

gnomAD v4.1: 3 of 1,542,888 alleles (0.00019%); highest among the groups gnomAD compares: South Asian, 0.0012%; no homozygotes.

Submission:

Labcorp Genetics (formerly Invitae), Labcorp
Classification: Uncertain significance. Last evaluated: 2025-10-09. Review status: criteria provided, single submitter. Criteria: Invitae Variant Classification Sherloc (09022015). Collection method: clinical testing. Allele origin: germline.
Comment: This sequence change replaces methionine, which is neutral and non-polar, with valine, which is neutral and non-polar, at codon 353 of the INTU protein (p.Met353Val). This variant is not present in population databases (gnomAD no frequency). This variant has not been reported in the literature in individuals affected with INTU-related conditions. Invitae Evidence Modeling of protein sequence and biophysical properties (such as structural, functional, and spatial information, amino acid conservation, physicochemical variation, residue mobility, and thermodynamic stability) indicates that this missense variant is not expected to disrupt INTU protein function with a negative predictive value of 80%. In summary, the available evidence is currently insufficient to determine the role of this variant in disease. Therefore, it has been classified as a Variant of Uncertain Significance.